The following is an entry in ClinVar:

NM_001003800.2(BICD2):c.458A>T (p.Asn153Ile)

Gene: BICD2 (BICD cargo adaptor 2; minus strand). Cytogenetic location: 9q22.31.
Variant type: single nucleotide variant.
Coding change: c.458A>T on transcript NM_001003800.2 (MANE Select); coding-DNA position 458, A replaced by T.
Protein change: p.Asn153Ile; replaces asparagine 153 with isoleucine.
Molecular consequence: missense variant.
Genome position (GRCh38, 1-based): chr9:92,722,804, T>A on the plus strand (A>T on the coding strand, the complement: BICD2 is on the minus strand). VCF-style: chr9-92722804-T-A. GRCh37 (hg19) VCF-style: chr9-95485086-T-A.
Other names: c.458A>T, p.Asn153Ile (NM_015250.4); short protein forms N153I.
Identifiers: ClinVar variation 1476304 (VCV001476304.8), dbSNP rs2131504307, ClinGen allele CA374045862.

ClinVar aggregate classification (germline): Uncertain significance (1 of 4 stars; one submission).

Conditions:
Autosomal dominant childhood-onset proximal spinal muscular atrophy with contractures (SMALED2A). Also called: SPINAL MUSCULAR ATROPHY, LOWER EXTREMITY-PREDOMINANT, 2A, CHILDHOOD ONSET, AUTOSOMAL DOMINANT; Spinal muscular atrophy, lower extremity-predominant, 2A, autosomal dominant. Identifiers: Orphanet 363447, Orphanet 363454, MedGen C4747715, MONDO:0014121, OMIM 615290.

Submission:

Labcorp Genetics (formerly Invitae), Labcorp
Classification: Uncertain significance for Autosomal dominant childhood-onset proximal spinal muscular atrophy with contractures. Last evaluated: 2021-02-17. Review status: criteria provided, single submitter. Criteria: Invitae Variant Classification Sherloc (09022015). Collection method: clinical testing. Allele origin: germline.
Comment: This variant has not been reported in the literature in individuals with BICD2-related conditions. This variant is not present in population databases (ExAC no frequency). This sequence change replaces asparagine with isoleucine at codon 153 of the BICD2 protein (p.Asn153Ile). The asparagine residue is moderately conserved and there is a large physicochemical difference between asparagine and isoleucine. Advanced modeling of protein sequence and biophysical properties (such as structural, functional, and spatial information, amino acid conservation, physicochemical variation, residue mobility, and thermodynamic stability) performed at Invitae indicates that this missense variant is not expected to disrupt BICD2 protein function. In summary, the available evidence is currently insufficient to determine the role of this variant in disease. Therefore, it has been classified as a Variant of Uncertain Significance.